The following is an entry in ClinVar:

ClinVar aggregate classification (germline): Uncertain significance. Review status: criteria provided, multiple submitters, no conflicts (2 of 4 stars). 2 submissions from 2 submitters: Uncertain significance (2). Last evaluated 2023-12-20.

Conditions:
Inborn genetic diseases. Identifiers: MedGen C0950123, MeSH D030342.
Epilepsy. Also called: Seizure disorder. Identifiers: MedGen C0014544, MeSH D004827, MONDO:0005027.

Allele frequency attached by ClinVar (database versions not stated): gnomAD exomes 0.00002; ExAC 0.00002; TOPMed 0.00006.

Submissions (2):

Ambry Genetics
Classification: Uncertain significance for Inborn genetic diseases. Last evaluated: 2023-12-20. Review status: criteria provided, single submitter. Criteria: Ambry Variant Classification Scheme 2023. Collection method: clinical testing. Allele origin: germline.

Labcorp Genetics (formerly Invitae), Labcorp
Classification: Uncertain significance for Epilepsy. Last evaluated: 2022-10-30. Review status: criteria provided, single submitter. Criteria: Invitae Variant Classification Sherloc (09022015). Collection method: clinical testing. Allele origin: germline.
Comment: This sequence change replaces serine, which is neutral and polar, with leucine, which is neutral and non-polar, at codon 419 of the PIGQ protein (p.Ser419Leu). This variant is present in population databases (rs750802445, gnomAD 0.005%). This variant has not been reported in the literature in individuals affected with PIGQ-related conditions. ClinVar contains an entry for this variant (Variation ID: 954721). Algorithms developed to predict the effect of missense changes on protein structure and function are either unavailable or do not agree on the potential impact of this missense change (SIFT: "Tolerated"; PolyPhen-2: "Probably Damaging"; Align-GVGD: "Class C0"). In summary, the available evidence is currently insufficient to determine the role of this variant in disease. Therefore, it has been classified as a Variant of Uncertain Significance.

NM_004204.5(PIGQ):c.1256C>T (p.Ser419Leu)

Gene: PIGQ (phosphatidylinositol glycan anchor biosynthesis class Q; plus strand). Cytogenetic location: 16p13.3.
Variant type: single nucleotide variant.
Coding change: c.1256C>T on transcript NM_004204.5 (MANE Select); coding-DNA position 1256, C replaced by T.
Protein change: p.Ser419Leu; replaces serine 419 with leucine.
Molecular consequence: missense variant.
Genome position (GRCh38, 1-based): chr16:579,101, C>T. VCF-style: chr16-579101-C-T. GRCh37 (hg19) VCF-style: chr16-629101-C-T.
Other names: c.1256C>T (NM_148920.1); c.1256C>T, p.Ser419Leu (NM_148920.4); short protein forms S419L.
Identifiers: ClinVar variation 954721 (VCV000954721.5), dbSNP rs750802445, ClinGen allele CA7780204.
Genomic context (GRCh38, chr16:579,101, plus strand): 5'-CCGGGCCCGACAGCACTGCGTCCTGTAGGCTGTACTGCCTGAAGATCCATGGCCTGTCCT[C>T]ACTGTGGCGTCTGTTCCGGGGGAAGAAGTGGAACGTTCTGCGCCAGCGCGTGGACTCCTG-3'
Protein context (NP_004195.2, residues 409-429): LYCLKIHGLS[Ser419Leu]LWRLFRGKKW